The following is an entry in ClinVar:

ClinVar aggregate classification (germline): Likely pathogenic (1 of 4 stars; one submission).

Conditions:
Cardiovascular phenotype. Identifiers: MedGen CN230736.

Submission:

Ambry Genetics
Classification: Likely pathogenic for Cardiovascular phenotype. Last evaluated: 2023-03-20. Review status: criteria provided, single submitter. Criteria: Ambry Variant Classification Scheme 2023. Collection method: clinical testing. Allele origin: germline.
Comment: The p.R437P variant (also known as c.1310G>C), located in coding exon 10 of the ENG gene, results from a G to C substitution at nucleotide position 1310. The arginine at codon 437 is replaced by proline, an amino acid with dissimilar properties. Missense alterations at the same amino acid position, R437W (Bossler AD et al. Hum. Mutat., 2006 Jul;27:667-75), R437G (T&oslash;rring PM et al. Clin. Genet., 2014 Aug;86:123-33), and R437Q (McDonald J et al. Clin. Genet., 2011 Apr;79:335-44), have also been described in individuals with HHT. In addition, structural analyses have suggested such alterations at this codon introduce structural instability that is likely to have a deleterious impact on the function of the protein (Saito T et al. Cell Rep, 2017 05;19:1917-1928; Ambry internal data). This variant is considered to be rare based on population cohorts in the Genome Aggregation Database (gnomAD). This amino acid position is not well conserved in available vertebrate species. In addition, this alteration is predicted to be tolerated by in silico analysis. Based on the majority of available evidence to date, this variant is likely to be pathogenic.

Literature cited by the submitters: PubMed 16752392; PubMed 21158752; PubMed 24001356; PubMed 28564608.

NM_001114753.3(ENG):c.1310G>C (p.Arg437Pro)

Genes: ENG (endoglin; minus strand), LOC102723566 (uncharacterized LOC102723566; plus strand). Cytogenetic location: 9q34.11.
Variant type: single nucleotide variant.
Coding change: c.1310G>C on transcript NM_001114753.3 (MANE Select); coding-DNA position 1310, G replaced by C.
Protein change: p.Arg437Pro; replaces arginine 437 with proline.
Molecular consequence: missense variant.
Genome position (GRCh38, 1-based): chr9:127,819,623, C>G on the plus strand (G>C on the coding strand, the complement: ENG is on the minus strand). VCF-style: chr9-127819623-C-G. GRCh37 (hg19) VCF-style: chr9-130581902-C-G.
Other names: c.1310G>C, p.Arg437Pro (NM_000118.4); c.764G>C, p.Arg255Pro (NM_001278138.2); short protein forms R437P, R255P.
Identifiers: ClinVar variation 1769657 (VCV001769657.3), dbSNP rs989537576, ClinGen allele CA374977971.